The following is an entry in ClinVar:

NM_000553.6(WRN):c.1753C>T (p.Pro585Ser)

Gene: WRN (WRN RecQ like helicase; plus strand). Cytogenetic location: 8p12.
Variant type: single nucleotide variant.
Coding change: c.1753C>T on transcript NM_000553.6 (MANE Select); coding-DNA position 1753, C replaced by T.
Protein change: p.Pro585Ser; replaces proline 585 with serine.
Molecular consequence: missense variant.
Genome position (GRCh38, 1-based): chr8:31,090,866, C>T. VCF-style: chr8-31090866-C-T. GRCh37 (hg19) VCF-style: chr8-30948382-C-T.
Other names: short protein forms P585S.
Identifiers: ClinVar variation 647182 (VCV000647182.7), dbSNP rs554671327, ClinGen allele CA4704478.
Genomic context (GRCh38, chr8:31,090,866, plus strand): 5'-TTTATTTTTATATTTTTTTCATTTCAAGGATATGGAAAGAGTTTGTGCTTCCAGTATCCA[C>T]CTGTTTATGTAGGCAAGATTGGCCTTGTTATCTCTCCCCTTATTTCTCTGATGGAAGACC-3'
Protein context (NP_000544.2, residues 575-595): YGKSLCFQYP[Pro585Ser]VYVGKIGLVI

ClinVar aggregate classification (germline): Uncertain significance (1 of 4 stars; one submission).

Conditions:
Werner syndrome (WRN). Identifiers: Orphanet 902, MedGen C0043119, MONDO:0010196, OMIM 277700.

Allele frequency attached by ClinVar (database versions not stated): ExAC 0.00003; gnomAD exomes 0.00003; gnomAD 0.00004; TOPMed 0.00005.
gnomAD v4.1: 59 of 1,612,006 alleles (0.0037%); highest among the groups gnomAD compares: Non-Finnish European, 0.0046%; no homozygotes.

Submission:

Labcorp Genetics (formerly Invitae), Labcorp
Classification: Uncertain significance for Werner syndrome. Last evaluated: 2025-11-10. Review status: criteria provided, single submitter. Criteria: Invitae Variant Classification Sherloc (09022015). Collection method: clinical testing. Allele origin: germline.
Comment: This sequence change replaces proline, which is neutral and non-polar, with serine, which is neutral and polar, at codon 585 of the WRN protein (p.Pro585Ser). This variant is present in population databases (rs554671327, gnomAD 0.005%). This variant has not been reported in the literature in individuals affected with WRN-related conditions. ClinVar contains an entry for this variant (Variation ID: 647182). An algorithm developed to predict the effect of missense changes on protein structure and function (PolyPhen-2) suggests that this variant is likely to be disruptive. In summary, the available evidence is currently insufficient to determine the role of this variant in disease. Therefore, it has been classified as a Variant of Uncertain Significance.